The following is an entry in ClinVar:

ClinVar aggregate classification (germline): Uncertain significance. Review status: criteria provided, single submitter (1 of 4 stars). 2 submissions from 2 submitters: Uncertain significance (1). 1 of the submissions does not count toward it. Last evaluated 2021-07-21.

Conditions:
Hereditary hemorrhagic telangiectasia (HHT). Also called: ORW DISEASE; Osler Weber Rendu syndrome; OSLER-RENDU-WEBER DISEASE; Osler hemorrhagic telangiectasia syndrome. Identifiers: Orphanet 774, MedGen C0039445, MONDO:0019180. Disease mechanism: loss of function.
Systemic lupus erythematosus (SLE). Identifiers: Orphanet 536, MedGen C0024141, MONDO:0007915, OMIM 152700, HP:0002725.
Telangiectasia, hereditary hemorrhagic, type 1 (HHT1). Also called: Osler Weber Rendu syndrome type 1; ENG-Related Hereditary Hemorrhagic Telangiectasia. Identifiers: Orphanet 774, MedGen C4551861, MONDO:0008535, OMIM 187300. Disease mechanism: loss of function.

Allele frequency attached by ClinVar (database versions not stated): gnomAD exomes 0.00001 and below 0.00001; ExAC 0.00001; gnomAD 0.00001.

Submissions (2):

Labcorp Genetics (formerly Invitae), Labcorp
Classification: Uncertain significance for Hereditary hemorrhagic telangiectasia. Last evaluated: 2021-07-21. Review status: criteria provided, single submitter. Criteria: Invitae Variant Classification Sherloc (09022015). Collection method: clinical testing. Allele origin: germline.
Comment: This sequence change falls in intron 6 of the ENG gene. It does not directly change the encoded amino acid sequence of the ENG protein. It affects a nucleotide within the consensus splice site of the intron. This variant is present in population databases (rs759191907, ExAC 0.006%). This variant has been observed in individual(s) with renal disease, pulmonary hypertension and hemorrhagic telangiectasia (PMID: 32190976). ClinVar contains an entry for this variant (Variation ID: 453308). Nucleotide substitutions within the consensus splice site are a relatively common cause of aberrant splicing (PMID: 17576681, 9536098). Algorithms developed to predict the effect of sequence changes on RNA splicing suggest that this variant may disrupt the consensus splice site. In summary, the available evidence is currently insufficient to determine the role of this variant in disease. Therefore, it has been classified as a Variant of Uncertain Significance.

Undiagnosed Diseases Network, NIH
Classification: Pathogenic for Telangiectasia, hereditary hemorrhagic, type 1; Systemic lupus erythematosus. Last evaluated: 2017-03-20. Review status: no assertion criteria provided. Collection method: clinical testing. Allele origin: unknown. Inheritance: Autosomal dominant inheritance. Affected: yes. Observed: 1 heterozygote. Not counted in ClinVar's aggregate classification.
Comment: cDNA analysis of lymphoblastoid cells with and without puromycin to inhibit nonsense mediated decay followed by Sanger sequencing was performed in a research lab along with 3 normal controls (unrelated CEPH samples). The normal controls were present as a reference for normal alternative splicing of the gene (with and without puromycin). Additional segregation analysis was not possible. ENG is already known to cause this pulmonary condition and there is nothing unusual about the splicing variant.

Literature cited by the submitters: PubMed 32190976 (cited by Labcorp Genetics (formerly Invitae), Labcorp); PubMed 17576681 (cited by Labcorp Genetics (formerly Invitae), Labcorp); PubMed 9536098 (cited by Labcorp Genetics (formerly Invitae), Labcorp).

NM_001114753.3(ENG):c.816+6T>C

Gene: ENG (endoglin; minus strand). Cytogenetic location: 9q34.11.
Variant type: single nucleotide variant.
Coding change: c.816+6T>C on transcript NM_001114753.3 (MANE Select); 6 bases into the intron after coding-DNA position 816, T replaced by C.
Molecular consequence: intron variant.
Genome position (GRCh38, 1-based): chr9:127,825,225, A>G on the plus strand (T>C on the coding strand, the complement: ENG is on the minus strand). VCF-style: chr9-127825225-A-G. GRCh37 (hg19) VCF-style: chr9-130587504-A-G.
Other names: c.816+6T>C (NM_000118.4, NM_001406715.1); c.270+6T>C (NM_001278138.2).
Identifiers: ClinVar variation 453308 (VCV000453308.8), dbSNP rs759191907, ClinGen allele CA5252978.